The following is an entry in ClinVar:

ClinVar aggregate classification (germline): Likely benign. Review status: criteria provided, multiple submitters, no conflicts (2 of 4 stars). 2 submissions from 2 submitters: Likely benign (2). Last evaluated 2022-08-31.

Allele frequency attached by ClinVar (database versions not stated): TOPMed 0.00012; ESP Exome Variant Server 0.00015.
gnomAD v4.1: 142 of 1,591,638 alleles (0.0089%); highest among the groups gnomAD compares: Non-Finnish European, 0.011%; no homozygotes.

Submissions (2):

Blueprint Genetics
Classification: Likely benign. Last evaluated: 2022-08-31. Review status: criteria provided, single submitter. Criteria: ACMG Guidelines, 2015. Collection method: clinical testing. Allele origin: germline.

Laboratory for Molecular Medicine, Mass General Brigham Personalized Medicine
Classification: Likely benign. Last evaluated: 2012-04-30. Review status: criteria provided, single submitter. Criteria: LMM Criteria. Collection method: clinical testing. Allele origin: germline. Observed: 1 variant allele.
Comment: Pro751Pro in Exon 10 of ESPN: This variant is not expected to have clinical sign ificance because it does not alter an amino acid residue, is not located within the splice consensus sequence, and has been identified in 2/7010 European Americ an chromosomes from a broad population by the NHLBI Exome Sequencing Project.

NM_031475.3(ESPN):c.2253C>G (p.Pro751=)

Gene: ESPN (espin; plus strand). Cytogenetic location: 1p36.31.
Variant type: single nucleotide variant.
Coding change: c.2253C>G on transcript NM_031475.3 (MANE Select); coding-DNA position 2253, C replaced by G.
Protein change: p.Pro751=; no amino-acid change (proline 751 retained).
Molecular consequence: synonymous variant.
Genome position (GRCh38, 1-based): chr1:6,452,024, C>G. VCF-style: chr1-6452024-C-G. GRCh37 (hg19) VCF-style: chr1-6512084-C-G.
Other names: c.2163C>G, p.Pro721= (NM_001367473.1); c.2190C>G, p.Pro730= (NM_001367474.1).
Identifiers: ClinVar variation 666694 (VCV000666694.5), dbSNP rs371034506, ClinGen allele CA560433.
Genomic context (GRCh38, chr1:6,452,024, plus strand): 5'-AGTGCAGCTGGACGTGGAGGCTCTCATCCCCACGCACGATGAGCAGGGCCGGCCCATCCC[C>G]GAGTGGAAGCGCCAGGTGATGGTGCGCAAGATGCAGCTGAAGATGCAGGAGGAGGAGGAG-3'
Protein context (NP_113663.2, residues 741-761): PTHDEQGRPI[Pro751=]EWKRQVMVRK